The following is an entry in ClinVar:

ClinVar aggregate classification (germline): Likely pathogenic (1 of 4 stars; one submission).

Conditions:
Fanconi anemia (FA). Also called: Fanconi's anemia. Identifiers: Orphanet 84, MedGen C0015625, MeSH D005199, MONDO:0019391.

Submission:

Labcorp Genetics (formerly Invitae), Labcorp
Classification: Likely pathogenic for Fanconi anemia. Last evaluated: 2022-07-13. Review status: criteria provided, single submitter. Criteria: Invitae Variant Classification Sherloc (09022015). Collection method: clinical testing. Allele origin: germline.
Comment: In summary, the currently available evidence indicates that the variant is pathogenic, but additional data are needed to prove that conclusively. Therefore, this variant has been classified as Likely Pathogenic. Algorithms developed to predict the effect of sequence changes on RNA splicing suggest that this variant may disrupt the consensus splice site. Disruption of this splice site has been observed in individual(s) with Fanconi anemia (PMID: 29098742). This variant is not present in population databases (gnomAD no frequency). This sequence change affects a donor splice site in intron 12 of the FANCA gene. It is expected to disrupt RNA splicing. Variants that disrupt the donor or acceptor splice site typically lead to a loss of protein function (PMID: 16199547), and loss-of-function variants in FANCA are known to be pathogenic (PMID: 19367192).

Literature cited by the submitters: PubMed 29098742; PubMed 16199547; PubMed 19367192.

NM_000135.4(FANCA):c.1083+1G>A

Gene: FANCA (FA complementation group A; minus strand). Cytogenetic location: 16q24.3.
Variant type: single nucleotide variant.
Coding change: c.1083+1G>A on transcript NM_000135.4 (MANE Select); the canonical splice donor site of the intron after coding-DNA position 1083, G replaced by A.
Molecular consequence: splice donor variant.
Genome position (GRCh38, 1-based): chr16:89,792,470, C>T on the plus strand (G>A on the coding strand, the complement: FANCA is on the minus strand). VCF-style: chr16-89792470-C-T. GRCh37 (hg19) VCF-style: chr16-89858878-C-T.
Other names: c.1083+1G>A (NM_001286167.3).
Identifiers: ClinVar variation 2121871 (VCV002121871.4), dbSNP rs2544275708, ClinGen allele CA397466552.